The following is an entry in ClinVar:

NM_177438.3(DICER1):c.3381del (p.Ile1127fs)

Gene: DICER1 (dicer 1, ribonuclease III; minus strand). Cytogenetic location: 14q32.13.
Variant type: Deletion.
Coding change: c.3381del on transcript NM_177438.3 (MANE Select); coding-DNA position 3381, one base deleted (T; older notation c.3381delT).
Protein change: p.Ile1127fs; shifts the reading frame from isoleucine 1127.
Molecular consequence: frameshift variant. On other transcripts: non-coding transcript variant (6).
Genome position (GRCh38, 1-based): chr14:95,104,015, A deleted on the plus strand (T on the coding strand, the reverse complement: DICER1 is on the minus strand); the first of 2 consecutive A bases (chr14:95,104,015-95,104,016); deleting either gives the same sequence. VCF-style (leftmost placement, unchanged base first): chr14-95104014-CA-C. GRCh37 (hg19) VCF-style: chr14-95570351-CA-C.
Other names: c.3381del, p.Ile1127fs (NM_001195573.1, NM_001271282.3, NM_001291628.2 and 12 more transcripts); c.3099del, p.Ile1033fs (NM_001395686.1); c.2976del, p.Ile992fs (NM_001395687.1, NM_001395688.1, NM_001395689.1 and 2 more transcripts); c.2814del, p.Ile938fs (NM_001395691.1); c.1698del, p.Ile566fs (NM_001395697.1); short protein forms I1127fs, I566fs, I938fs, I1033fs, I992fs.
Identifiers: ClinVar variation 3659061 (VCV003659061.2).

ClinVar aggregate classification (germline): Pathogenic (1 of 4 stars; one submission).

Conditions:
DICER1-related tumor predisposition. Also called: DICER1-related pleuropulmonary blastoma cancer predisposition syndrome; DICER1 syndrome. Identifiers: Orphanet 284343, MedGen C3839822, MONDO:0100216.

Submission:

Labcorp Genetics (formerly Invitae), Labcorp
Classification: Pathogenic for DICER1-related tumor predisposition. Last evaluated: 2024-07-09. Review status: criteria provided, single submitter. Criteria: Invitae Variant Classification Sherloc (09022015). Collection method: clinical testing. Allele origin: germline.
Comment: This sequence change creates a premature translational stop signal (p.Ile1127Metfs*17) in the DICER1 gene. It is expected to result in an absent or disrupted protein product. Loss-of-function variants in DICER1 are known to be pathogenic (PMID: 19556464, 21266384). This variant is not present in population databases (gnomAD no frequency). This variant has not been reported in the literature in individuals affected with DICER1-related conditions. For these reasons, this variant has been classified as Pathogenic.

Literature cited by the submitters: PubMed 19556464; PubMed 21266384.